The following is an entry in ClinVar:

ClinVar aggregate classification (germline): Likely benign (0 of 4 stars; one submission).

Conditions:
KAT2B-related disorder. Also called: KAT2B-related condition.

gnomAD v4.1: 3 of 1,612,088 alleles (0.00019%); highest among the groups gnomAD compares: Non-Finnish European, 0.00025%; no homozygotes.

Submission:

PreventionGenetics, part of Exact Sciences
Classification: Likely benign for KAT2B-related condition. Last evaluated: 2024-09-17. Review status: no assertion criteria provided. Collection method: clinical testing. Allele origin: germline.
Comment: This variant is classified as likely benign based on ACMG/AMP sequence variant interpretation guidelines (Richards et al. 2015 PMID: 25741868, with internal and published modifications).

NM_003884.5(KAT2B):c.462A>G (p.Ser154=)

Gene: KAT2B (lysine acetyltransferase 2B; plus strand). Cytogenetic location: 3p24.3.
Variant type: single nucleotide variant.
Coding change: c.462A>G on transcript NM_003884.5 (MANE Select); coding-DNA position 462, A replaced by G.
Protein change: p.Ser154=; no amino-acid change (serine 154 retained).
Molecular consequence: synonymous variant.
Genome position (GRCh38, 1-based): chr3:20,095,294, A>G. VCF-style: chr3-20095294-A-G. GRCh37 (hg19) VCF-style: chr3-20136786-A-G.
Identifiers: ClinVar variation 3346993 (VCV003346993.1).
Genomic context (GRCh38, chr3:20,095,294, plus strand): 5'-TACATATGTTTCTTTGATCTTATCATAAGCTGCTCATGTTTCCCACCTGGAGAATGTGTC[A>G]GAGGAAGAAATGAACAGACTCCTGGGAATAGTATTGGATGTGGAATATCTCTTTACCTGT-3'
Protein context (NP_003875.3, residues 144-164): AAHVSHLENV[Ser154=]EEEMNRLLGI